The following is an entry in ClinVar:

ClinVar aggregate classification (germline): Likely benign. Review status: criteria provided, multiple submitters, no conflicts (2 of 4 stars). 2 submissions from 2 submitters: Likely benign (2). Last evaluated 2025-09-23.

gnomAD v4.1: 11 of 1,198,853 alleles (0.00092%); highest among the groups gnomAD compares: East Asian, 0.0089%; no homozygotes.

Submissions (2):

Labcorp Genetics (formerly Invitae), Labcorp
Classification: Likely benign. Last evaluated: 2025-09-23. Review status: criteria provided, single submitter. Criteria: Invitae Variant Classification Sherloc (09022015). Collection method: clinical testing. Allele origin: germline.

CeGaT Center for Human Genetics Tuebingen
Classification: Likely benign. Last evaluated: 2024-07-01. Review status: criteria provided, single submitter. Criteria: CeGaT Center For Human Genetics Tuebingen Variant Classification Criteria Version 2. Collection method: clinical testing. Allele origin: germline. Affected: yes. Observed: 1 variant allele.
Comment: PHEX: BP4, BP7

NM_000444.6(PHEX):c.1602G>A (p.Pro534=)

Gene: PHEX (phosphate regulating endopeptidase X-linked; plus strand). Cytogenetic location: Xp22.11.
Variant type: single nucleotide variant.
Coding change: c.1602G>A on transcript NM_000444.6 (MANE Select); coding-DNA position 1602, G replaced by A.
Protein change: p.Pro534=; no amino-acid change (proline 534 retained).
Molecular consequence: synonymous variant.
Genome position (GRCh38, 1-based): chrX:22,190,459, G>A. VCF-style: chrX-22190459-G-A. GRCh37 (hg19) VCF-style: chrX-22208576-G-A.
Other names: c.1602G>A, p.Pro534= (NM_001282754.2).
Identifiers: ClinVar variation 3257095 (VCV003257095.19).
Genomic context (GRCh38, chrX:22,190,459, plus strand): 5'-TGTATAATGATGATTGCTCTCTGGCATTTGTTTCTTTTTCTACAGGTGGTTTACAAATCC[G>A]ACGACTGTCAATGCCTTCTACAGTGCATCCACCAACCAGATCCGTGAGTACGGGTTCCTT-3'
Protein context (NP_000435.3, residues 524-544): AVPKTEWFTN[Pro534=]TTVNAFYSAS